The following is an entry in ClinVar:

ClinVar aggregate classification (germline): Pathogenic (1 of 4 stars; one submission).

Conditions:
Familial cancer of breast. Also called: hereditary breast carcinoma; Hereditary breast cancer; BREAST CANCER, FAMILIAL. Identifiers: Orphanet 227535, MedGen C0346153, MONDO:0016419, OMIM 114480. Disease mechanism: loss of function.

Submission:

Labcorp Genetics (formerly Invitae), Labcorp
Classification: Pathogenic for Familial cancer of breast. Last evaluated: 2022-07-29. Review status: criteria provided, single submitter. Criteria: Invitae Variant Classification Sherloc (09022015). Collection method: clinical testing. Allele origin: germline.
Comment: For these reasons, this variant has been classified as Pathogenic. This variant has not been reported in the literature in individuals affected with CHEK2-related conditions. This variant is not present in population databases (gnomAD no frequency). This sequence change creates a premature translational stop signal (p.Asn154Thrfs*7) in the CHEK2 gene. It is expected to result in an absent or disrupted protein product. Loss-of-function variants in CHEK2 are known to be pathogenic (PMID: 21876083, 24713400).

Literature cited by the submitters: PubMed 21876083; PubMed 24713400.

NM_007194.4(CHEK2):c.461del (p.Asn154fs)

Gene: CHEK2 (checkpoint kinase 2; minus strand). Cytogenetic location: 22q12.1.
Variant type: Deletion.
Coding change: c.461del on transcript NM_007194.4 (MANE Select); coding-DNA position 461, one base deleted (A; older notation c.461delA).
Protein change: p.Asn154fs; shifts the reading frame from asparagine 154.
Molecular consequence: frameshift variant. On other transcripts: 5 prime UTR variant (2), intron variant (1).
Genome position (GRCh38, 1-based): chr22:28,725,108, T deleted on the plus strand (A on the coding strand, the reverse complement: CHEK2 is on the minus strand); the first of 5 consecutive T bases (chr22:28,725,108-28,725,112); deleting any one gives the same sequence. VCF-style (leftmost placement, unchanged base first): chr22-28725107-GT-G. GRCh37 (hg19) VCF-style: chr22-29121095-GT-G.
Other names: c.590del, p.Asn197fs (NM_001005735.3, NM_001438294.1); c.-317del (NM_001257387.3); c.-203del (NM_001437942.1); c.554del, p.Asn185fs (NM_001438293.1, NM_001438295.1); c.461del, p.Asn154fs (NM_145862.3); c.444+135del (NM_001349956.3); short protein forms N197fs, N154fs, N185fs.
Identifiers: ClinVar variation 2043493 (VCV002043493.4), dbSNP rs2518054728, ClinGen allele CA2580099474.
Genomic context (GRCh38, chr22:28,725,107, plus strand): 5'-AAGCTCTGTATTTACAAAGGTTCCATTGCCACTGTGATCTTCTATGTATGCAATGTAAGA[GT>G]TTTTAGGACCCACTTCCTAAAATAGAGAACATTTTGTTTCAGACTTTGAATAGCAGAGAT-3'